The following is an entry in ClinVar:

ClinVar aggregate classification (germline): Uncertain significance. Review status: criteria provided, multiple submitters, no conflicts (2 of 4 stars). 3 submissions from 3 submitters: Uncertain significance (3). Last evaluated 2024-12-18.

Conditions:
Sotos syndrome (SOTOS). Also called: CHROMOSOME 5q35 DELETION SYNDROME; SOTOS SYNDROME 1; CEREBRAL GIGANTISM; Sotos' syndrome; Distinctive facial appearance, overgrowth in childhood, and learning disabilities or delayed development. Identifiers: Orphanet 821, MedGen C0175695, MONDO:0019349, OMIM 117550.

Allele frequency attached by ClinVar (database versions not stated): TOPMed 0.00001.

Submissions (3):

GeneDx
Classification: Uncertain significance. Last evaluated: 2024-12-18. Review status: criteria provided, single submitter. Criteria: GeneDx Variant Classification Process June 2021. Collection method: clinical testing. Allele origin: germline. Affected: yes.
Comment: Not observed at significant frequency in large population cohorts (gnomAD); In silico analysis indicates that this missense variant does not alter protein structure/function; Has not been previously published as pathogenic or benign to our knowledge

Labcorp Genetics (formerly Invitae), Labcorp
Classification: Uncertain significance. Last evaluated: 2024-10-16. Review status: criteria provided, single submitter. Criteria: Invitae Variant Classification Sherloc (09022015). Collection method: clinical testing. Allele origin: germline.
Comment: This sequence change replaces isoleucine, which is neutral and non-polar, with phenylalanine, which is neutral and non-polar, at codon 417 of the NSD1 protein (p.Ile417Phe). This variant is not present in population databases (gnomAD no frequency). This variant has not been reported in the literature in individuals affected with NSD1-related conditions. ClinVar contains an entry for this variant (Variation ID: 2434441). Invitae Evidence Modeling of protein sequence and biophysical properties (such as structural, functional, and spatial information, amino acid conservation, physicochemical variation, residue mobility, and thermodynamic stability) indicates that this missense variant is not expected to disrupt NSD1 protein function with a negative predictive value of 95%. In summary, the available evidence is currently insufficient to determine the role of this variant in disease. Therefore, it has been classified as a Variant of Uncertain Significance.

Revvity Omics, Revvity
Classification: Uncertain significance for Sotos syndrome. Last evaluated: 2019-05-06. Review status: criteria provided, single submitter. Criteria: ACMG Guidelines, 2015. Collection method: clinical testing. Allele origin: germline.

NM_022455.5(NSD1):c.1249A>T (p.Ile417Phe)

Gene: NSD1 (nuclear receptor binding SET domain protein 1; plus strand). Cytogenetic location: 5q35.3.
Variant type: single nucleotide variant.
Coding change: c.1249A>T on transcript NM_022455.5 (MANE Select); coding-DNA position 1249, A replaced by T.
Protein change: p.Ile417Phe; replaces isoleucine 417 with phenylalanine.
Molecular consequence: missense variant.
Genome position (GRCh38, 1-based): chr5:177,209,648, A>T. VCF-style: chr5-177209648-A-T. GRCh37 (hg19) VCF-style: chr5-176636649-A-T.
Other names: c.376A>T, p.Ile126Phe (NM_001365684.2, NM_001409306.1, NM_001409307.1 and 3 more transcripts); c.1249A>T, p.Ile417Phe (NM_001409301.1, NM_001409302.1, NM_001409303.1); c.829A>T, p.Ile277Phe (NM_001409304.1); c.496A>T, p.Ile166Phe (NM_001409305.1); short protein forms I126F, I148F, I166F, I277F, I417F.
Identifiers: ClinVar variation 2434441 (VCV002434441.7), dbSNP rs1763175558, ClinGen allele CA362308163.